The following is an entry in ClinVar:

NM_020831.6(MRTFA):c.1209C>T (p.Ser403=)

Gene: MRTFA (myocardin related transcription factor A; minus strand). Cytogenetic location: 22q13.1.
Variant type: single nucleotide variant.
Coding change: c.1209C>T on transcript NM_020831.6 (MANE Select); coding-DNA position 1209, C replaced by T.
Protein change: p.Ser403=; no amino-acid change (serine 403 retained).
Molecular consequence: synonymous variant.
Genome position (GRCh38, 1-based): chr22:40,420,549, G>A on the plus strand (C>T on the coding strand, the complement: MRTFA is on the minus strand). VCF-style: chr22-40420549-G-A. GRCh37 (hg19) VCF-style: chr22-40816553-G-A.
Other names: c.909C>T (NM_020831.4); c.909C>T, p.Ser303= (NM_001282660.2); c.1059C>T, p.Ser353= (NM_001282661.3); c.1209C>T, p.Ser403= (NM_001282662.3); c.1014C>T, p.Ser338= (NM_001318139.2).
Identifiers: ClinVar variation 1683106 (VCV001683106.9), dbSNP rs748321686, ClinGen allele CA10249753.

ClinVar aggregate classification (germline): Likely benign. Review status: criteria provided, single submitter (1 of 4 stars). 2 submissions from 2 submitters: Likely benign (1). 1 of the submissions does not count toward it. Last evaluated 2026-01-01.

Conditions:
MRTFA-related disorder. Also called: MRTFA-related condition.

Allele frequency attached by ClinVar (database versions not stated): gnomAD exomes 0.00003 and 0.00010; gnomAD 0.00005 and 0.00006; TOPMed 0.00007; ExAC 0.00012.
gnomAD v4.1: 57 of 1,613,394 alleles (0.0035%); highest among the groups gnomAD compares: Admixed American, 0.035%; no homozygotes.

Submissions (2):

Labcorp Genetics (formerly Invitae), Labcorp
Classification: Likely benign. Last evaluated: 2026-01-01. Review status: criteria provided, single submitter. Criteria: Invitae Variant Classification Sherloc (09022015). Collection method: clinical testing. Allele origin: germline.

PreventionGenetics, part of Exact Sciences
Classification: Likely benign for MRTFA-related condition. Last evaluated: 2019-04-01. Review status: no assertion criteria provided. Collection method: clinical testing. Allele origin: germline. Not counted in ClinVar's aggregate classification.
Comment: This variant is classified as likely benign based on ACMG/AMP sequence variant interpretation guidelines (Richards et al. 2015 PMID: 25741868, with internal and published modifications).